The following is an entry in ClinVar:

ClinVar aggregate classification (germline): Uncertain significance. Review status: criteria provided, multiple submitters, no conflicts (2 of 4 stars). 3 submissions from 3 submitters: Uncertain significance (2). 1 of the submissions does not count toward it. Last evaluated 2024-10-22.

Conditions:
Cardiovascular phenotype. Identifiers: MedGen CN230736.
Alstrom syndrome (ALMS). Identifiers: Orphanet 64, MedGen C0268425, MONDO:0008763, OMIM 203800.

Allele frequency attached by ClinVar (database versions not stated): ExAC 0.00001; gnomAD 0.00001; gnomAD exomes 0.00001; 1000 Genomes Project 30x 0.00016; 1000 Genomes Project 0.00020.
gnomAD v4.1: 17 of 1,614,116 alleles (0.0011%); highest among the groups gnomAD compares: South Asian, 0.014%; no homozygotes.

Submissions (3):

Labcorp Genetics (formerly Invitae), Labcorp
Classification: Uncertain significance for Alstrom syndrome. Last evaluated: 2024-10-22. Review status: criteria provided, single submitter. Criteria: Invitae Variant Classification Sherloc (09022015). Collection method: clinical testing. Allele origin: germline.
Comment: This sequence change replaces glutamine, which is neutral and polar, with arginine, which is basic and polar, at codon 1854 of the ALMS1 protein (p.Gln1854Arg). This variant is present in population databases (rs574696548, gnomAD 0.01%). This variant has not been reported in the literature in individuals affected with ALMS1-related conditions. ClinVar contains an entry for this variant (Variation ID: 1052694). Experimental studies and prediction algorithms are not available or were not evaluated, and the functional significance of this variant is currently unknown. In summary, the available evidence is currently insufficient to determine the role of this variant in disease. Therefore, it has been classified as a Variant of Uncertain Significance.

Ambry Genetics
Classification: Uncertain significance for Cardiovascular phenotype. Last evaluated: 2023-06-22. Review status: criteria provided, single submitter. Criteria: Ambry Variant Classification Scheme 2023. Collection method: clinical testing. Allele origin: germline.
Comment: The p.Q1854R variant (also known as c.5561A>G), located in coding exon 8 of the ALMS1 gene, results from an A to G substitution at nucleotide position 5561. The glutamine at codon 1854 is replaced by arginine, an amino acid with highly similar properties. This amino acid position is not well conserved in available vertebrate species. In addition, this alteration is predicted to be tolerated by in silico analysis. Since supporting evidence is limited at this time, the clinical significance of this alteration remains unclear.

Natera, Inc.
Classification: Uncertain significance for Alstrom syndrome. Last evaluated: 2021-03-29. Review status: no assertion criteria provided. Collection method: clinical testing. Allele origin: germline. Not counted in ClinVar's aggregate classification.

NM_001378454.1(ALMS1):c.5558A>G (p.Gln1853Arg)

Gene: ALMS1 (ALMS1 centrosome and basal body associated protein; plus strand). Cytogenetic location: 2p13.1.
Variant type: single nucleotide variant.
Coding change: c.5558A>G on transcript NM_001378454.1 (MANE Select); coding-DNA position 5558, A replaced by G.
Protein change: p.Gln1853Arg; replaces glutamine 1853 with arginine.
Molecular consequence: missense variant.
Genome position (GRCh38, 1-based): chr2:73,452,085, A>G. VCF-style: chr2-73452085-A-G. GRCh37 (hg19) VCF-style: chr2-73679212-A-G.
Other names: c.5561A>G, p.Gln1854Arg (NM_015120.4); short protein forms Q1853R, Q1854R.
Identifiers: ClinVar variation 1052694 (VCV001052694.10), dbSNP rs574696548, ClinGen allele CA1713902.